The following is an entry in ClinVar:

ClinVar aggregate classification (germline): Pathogenic (1 of 4 stars; one submission).

Conditions:
COL1A1-related disorder. Also called: COL1A1- related disease; COL1A1-related condition.

Submission:

PreventionGenetics, part of Exact Sciences
Classification: Pathogenic for COL1A1-related condition. Last evaluated: 2026-02-03. Review status: criteria provided, single submitter. Criteria: ACMG Guidelines, 2015. Collection method: clinical testing. Allele origin: germline.
Comment: The COL1A1 c.3208-1G>C variant is predicted to disrupt the AG splice acceptor site and interfere with normal splicing. This variant has been reported in at least one individual with osteogenesis imperfecta (OI) (Table S6, Schleit et al. 2015. PubMed ID: 25963598; Nadyrshina et al. 2022. PubMed ID: 35052464). In addition, nearby variants (see example: c.3208-1G>A and c.3208-2A>C) have also been reported in individuals with OI (Zhytnik. 2017. PubMed ID: 28810924; Hartikka. 2004. PubMed ID: 15241796). This variant has not been reported in a large population database (gnomAD), indicating this variant is rare. Variants that disrupt the consensus splice acceptor site in COL1A1 are expected to be pathogenic. This variant is interpreted as pathogenic.

NM_000088.4(COL1A1):c.3208-1G>C

Gene: COL1A1 (collagen type I alpha 1 chain; minus strand). Cytogenetic location: 17q21.33.
Variant type: single nucleotide variant.
Coding change: c.3208-1G>C on transcript NM_000088.4 (MANE Select); the canonical splice acceptor site of the intron before coding-DNA position 3208, G replaced by C.
Molecular consequence: splice acceptor variant.
Genome position (GRCh38, 1-based): chr17:50,188,150, C>G on the plus strand (G>C on the coding strand, the complement: COL1A1 is on the minus strand). VCF-style: chr17-50188150-C-G. GRCh37 (hg19) VCF-style: chr17-48265511-C-G.
Identifiers: ClinVar variation 4993652 (VCV004993652.1).